The following is an entry in ClinVar:

NM_001306084.2(CFAP54):c.2185T>C (p.Tyr729His)

Gene: CFAP54 (cilia and flagella associated protein 54; plus strand). Cytogenetic location: 12q23.1.
Variant type: single nucleotide variant.
Coding change: c.2185T>C on transcript NM_001306084.2 (MANE Select); coding-DNA position 2185, T replaced by C.
Protein change: p.Tyr729His; replaces tyrosine 729 with histidine.
Molecular consequence: missense variant.
Genome position (GRCh38, 1-based): chr12:96,554,212, T>C. VCF-style: chr12-96554212-T-C. GRCh37 (hg19) VCF-style: chr12-96947990-T-C.
Other names: c.2185T>C, p.Tyr729His (NM_001367885.1); short protein forms Y729H.
Identifiers: ClinVar variation 4983023 (VCV004983023.1).

ClinVar aggregate classification (germline): Uncertain significance (1 of 4 stars; one submission).

Conditions:
CFAP54-related condition.

gnomAD v4.1: 5 of 1,517,776 alleles (0.00033%); highest among the groups gnomAD compares: South Asian, 0.0038%; no homozygotes.

Submission:

PreventionGenetics, part of Exact Sciences
Classification: Uncertain significance for CFAP54-related condition. Last evaluated: 2026-09-21. Review status: criteria provided, single submitter. Criteria: ACMG Guidelines, 2015. Collection method: clinical testing. Allele origin: germline.
Comment: The CFAP54 c.2185T>C variant is predicted to result in the amino acid substitution p.Tyr729His. To our knowledge, this variant has not been reported in the literature. This variant is reported in 0.011% of alleles in individuals of South Asian descent in gnomAD. At this time, the clinical significance of this variant is uncertain due to the absence of conclusive functional and genetic evidence.